The following is an entry in ClinVar:

ClinVar aggregate classification (germline): Likely benign. Review status: criteria provided, multiple submitters, no conflicts (2 of 4 stars). 6 submissions from 6 submitters: Likely benign (5). 1 of the submissions does not count toward it. Last evaluated 2026-01-01.

Conditions:
FBN2-related disorder. Also called: FBN2-related condition.
Congenital contractural arachnodactyly (CCA). Also called: BEALS SYNDROME; Beals-Hecht syndrome; Arthrogryposis, distal, type 9. Identifiers: Orphanet 115, MedGen C0220668, MONDO:0007363, OMIM 121050.
Familial thoracic aortic aneurysm and aortic dissection (TAAD). Also called: Thoracic aortic aneurysms and dissections. Identifiers: Orphanet 91387, MedGen C4707243, MONDO:0019625.

Allele frequency attached by ClinVar (database versions not stated): ESP Exome Variant Server 0.00008; ExAC 0.00019; 1000 Genomes Project 30x 0.00031; 1000 Genomes Project 0.00040; gnomAD 0.00045 and 0.00049; TOPMed 0.00056.
gnomAD v4.1: 277 of 1,613,920 alleles (0.017%); highest among the groups gnomAD compares: African/African-American, 0.1%; no homozygotes.

Submissions (6):

Labcorp Genetics (formerly Invitae), Labcorp
Classification: Likely benign for Congenital contractural arachnodactyly. Last evaluated: 2026-01-01. Review status: criteria provided, single submitter. Criteria: Invitae Variant Classification Sherloc (09022015). Collection method: clinical testing. Allele origin: germline.

Blueprint Genetics
Classification: Likely benign. Last evaluated: 2024-10-14. Review status: criteria provided, single submitter. Criteria: ACMG Guidelines, 2015. Collection method: clinical testing. Allele origin: germline.

Women's Health and Genetics/Laboratory Corporation of America, LabCorp
Classification: Likely benign. Last evaluated: 2023-07-21. Review status: criteria provided, single submitter. Criteria: LabCorp Variant Classification Summary - May 2015. Collection method: clinical testing. Allele origin: germline.

GeneDx
Classification: Likely benign. Last evaluated: 2021-03-31. Review status: criteria provided, single submitter. Criteria: GeneDx Variant Classification Process June 2021. Collection method: clinical testing. Allele origin: germline. Affected: yes.

Ambry Genetics
Classification: Likely benign for Familial thoracic aortic aneurysm and aortic dissection. Last evaluated: 2018-04-27. Review status: criteria provided, single submitter. Criteria: Ambry Variant Classification Scheme 2023. Collection method: clinical testing. Allele origin: germline.

PreventionGenetics, part of Exact Sciences
Classification: Likely benign for FBN2-related condition. Last evaluated: 2020-03-18. Review status: no assertion criteria provided. Collection method: clinical testing. Allele origin: germline. Not counted in ClinVar's aggregate classification.
Comment: This variant is classified as likely benign based on ACMG/AMP sequence variant interpretation guidelines (Richards et al. 2015 PMID: 25741868, with internal and published modifications).

NM_001999.4(FBN2):c.8537G>A (p.Arg2846His)

Gene: FBN2 (fibrillin 2; minus strand). Cytogenetic location: 5q23.3.
Variant type: single nucleotide variant.
Coding change: c.8537G>A on transcript NM_001999.4 (MANE Select); coding-DNA position 8537, G replaced by A.
Protein change: p.Arg2846His; replaces arginine 2846 with histidine.
Molecular consequence: missense variant.
Genome position (GRCh38, 1-based): chr5:128,259,657, C>T on the plus strand (G>A on the coding strand, the complement: FBN2 is on the minus strand). VCF-style: chr5-128259657-C-T. GRCh37 (hg19) VCF-style: chr5-127595349-C-T.
Other names: short protein forms R2846H.
Identifiers: ClinVar variation 213376 (VCV000213376.58), dbSNP rs200345491, ClinGen allele CA323925.
Genomic context (GRCh38, chr5:128,259,657, plus strand): 5'-CCGGGCATGAGCTTCTTCTTGGCCGTGTGCAAGTAGCTGAGCCCATTCCTTTGGTGGATG[C>T]GGAAGACGCTGTCATCGTTCCCTTGAGAGATGACATAACGGATGTGGTTGTTGAGGGGCT-3'
Protein context (NP_001990.2, residues 2836-2856): ISQGNDDSVF[Arg2846His]IHQRNGLSYL